The following is an entry in ClinVar:

ClinVar aggregate classification (germline): Uncertain significance. Review status: criteria provided, multiple submitters, no conflicts (2 of 4 stars). 3 submissions from 3 submitters: Uncertain significance (3). Last evaluated 2025-10-23.

Conditions:
Inborn genetic diseases. Identifiers: MedGen C0950123, MeSH D030342.
SPTBN2-related disorder. Also called: SPTBN2-related condition.

Allele frequency attached by ClinVar (database versions not stated): ExAC 0.00002; gnomAD exomes 0.00002; gnomAD 0.00006; TOPMed 0.00006.
gnomAD v4.1: 36 of 1,606,980 alleles (0.0022%); highest among the groups gnomAD compares: African/African-American, 0.016%; no homozygotes.

Submissions (3):

PreventionGenetics, part of Exact Sciences
Classification: Uncertain significance for SPTBN2-related condition. Last evaluated: 2025-10-23. Review status: criteria provided, single submitter. Criteria: ACMG Guidelines, 2015. Collection method: clinical testing. Allele origin: germline.
Comment: The SPTBN2 c.3115C>T variant is predicted to result in the amino acid substitution p.Arg1039Trp. To our knowledge, this variant has not been reported in the literature. This variant is reported in 0.016% of alleles in individuals of African descent in gnomAD. At this time, the clinical significance of this variant is uncertain due to the absence of conclusive functional and genetic evidence.

Mayo Clinic Laboratories, Mayo Clinic
Classification: Uncertain significance. Last evaluated: 2023-11-22. Review status: criteria provided, single submitter. Criteria: ACMG Guidelines, 2015. Collection method: clinical testing. Allele origin: germline. Observed: 1 variant allele.

Ambry Genetics
Classification: Uncertain significance for Inborn genetic diseases. Last evaluated: 2021-10-18. Review status: criteria provided, single submitter. Criteria: Ambry Variant Classification Scheme 2023. Collection method: clinical testing. Allele origin: germline.

NM_006946.4(SPTBN2):c.3115C>T (p.Arg1039Trp)

Gene: SPTBN2 (spectrin beta, non-erythrocytic 2; minus strand). Cytogenetic location: 11q13.2.
Variant type: single nucleotide variant.
Coding change: c.3115C>T on transcript NM_006946.4 (MANE Select); coding-DNA position 3115, C replaced by T.
Protein change: p.Arg1039Trp; replaces arginine 1039 with tryptophan.
Molecular consequence: missense variant.
Genome position (GRCh38, 1-based): chr11:66,700,984, G>A on the plus strand (C>T on the coding strand, the complement: SPTBN2 is on the minus strand). VCF-style: chr11-66700984-G-A. GRCh37 (hg19) VCF-style: chr11-66468455-G-A.
Other names: p.Arg1039Trp; c.3115C>T (NM_006946.3); c.3136C>T, p.Arg1046Trp (NM_001411025.1); short protein forms R1046W, R1039W.
Identifiers: ClinVar variation 2229496 (VCV002229496.4), dbSNP rs758723701, ClinGen allele CA6128932.
Genomic context (GRCh38, chr11:66,700,984, plus strand): 5'-CTTCTCGACGCCGCATGGTGGCCCTGAGGTCCTCCCAGCCGGTCTGCACCTCTCTCAGCC[G>A]GGCGTTGATGGCCACTGCCTGAGCGGGATGGCCGGCAGCCAGGGCATTTGCCTCTCGAGT-3'
Protein context (NP_008877.2, residues 1029-1049): HPAQAVAINA[Arg1039Trp]LREVQTGWED